The following is an entry in ClinVar:

ClinVar aggregate classification (germline): Uncertain significance. Review status: criteria provided, multiple submitters, no conflicts (2 of 4 stars). 2 submissions from 2 submitters: Uncertain significance (2). Last evaluated 2025-08-26.

Conditions:
Inborn genetic diseases. Identifiers: MedGen C0950123, MeSH D030342.

Allele frequency attached by ClinVar (database versions not stated): gnomAD exomes below 0.00001; gnomAD 0.00001; TOPMed 0.00002.
gnomAD v4.1: 3 of 1,494,214 alleles (0.0002%); highest among the groups gnomAD compares: Non-Finnish European, 0.00027%; no homozygotes.

Submissions (2):

Ambry Genetics
Classification: Uncertain significance for Inborn genetic diseases. Last evaluated: 2025-08-26. Review status: criteria provided, single submitter. Criteria: Ambry Variant Classification Scheme 2023. Collection method: clinical testing. Allele origin: germline.

Labcorp Genetics (formerly Invitae), Labcorp
Classification: Uncertain significance. Last evaluated: 2024-05-09. Review status: criteria provided, single submitter. Criteria: Invitae Variant Classification Sherloc (09022015). Collection method: clinical testing. Allele origin: germline.
Comment: This sequence change replaces glycine, which is neutral and non-polar, with aspartic acid, which is acidic and polar, at codon 379 of the PRDM13 protein (p.Gly379Asp). The frequency data for this variant in the population databases is considered unreliable, as metrics indicate poor data quality at this position in the gnomAD database. This variant has not been reported in the literature in individuals affected with PRDM13-related conditions. ClinVar contains an entry for this variant (Variation ID: 1022794). An algorithm developed to predict the effect of missense changes on protein structure and function (PolyPhen-2) suggests that this variant is likely to be disruptive. In summary, the available evidence is currently insufficient to determine the role of this variant in disease. Therefore, it has been classified as a Variant of Uncertain Significance.

NM_021620.4(PRDM13):c.1136G>A (p.Gly379Asp)

Genes: PRDM13 (PR/SET domain 13; plus strand), LOC129996881 (ATAC-STARR-seq lymphoblastoid silent region 17422; plus strand). Cytogenetic location: 6q16.2.
Variant type: single nucleotide variant.
Coding change: c.1136G>A on transcript NM_021620.4 (MANE Select); coding-DNA position 1136, G replaced by A.
Protein change: p.Gly379Asp; replaces glycine 379 with aspartic acid.
Molecular consequence: missense variant.
Genome position (GRCh38, 1-based): chr6:99,613,771, G>A. VCF-style: chr6-99613771-G-A. GRCh37 (hg19) VCF-style: chr6-100061647-G-A.
Other names: c.1136G>A (NM_021620.3); short protein forms G379D.
Identifiers: ClinVar variation 1022794 (VCV001022794.10), dbSNP rs1024077628, ClinGen allele CA143975497.